The following is an entry in ClinVar:

ClinVar aggregate classification (germline): Uncertain significance (1 of 4 stars; one submission).

Allele frequency attached by ClinVar (database versions not stated): gnomAD exomes 0.00001 and 0.00002; ExAC 0.00002.
gnomAD v4.1: 7 of 1,598,876 alleles (0.00044%); highest among the groups gnomAD compares: South Asian, 0.0057%; no homozygotes.

Submission:

Labcorp Genetics (formerly Invitae), Labcorp
Classification: Uncertain significance. Last evaluated: 2022-11-02. Review status: criteria provided, single submitter. Criteria: Invitae Variant Classification Sherloc (09022015). Collection method: clinical testing. Allele origin: germline.
Comment: This variant is present in population databases (no rsID available, gnomAD 0.02%). This sequence change replaces phenylalanine, which is neutral and non-polar, with leucine, which is neutral and non-polar, at codon 132 of the ATR protein (p.Phe132Leu). This variant has not been reported in the literature in individuals affected with ATR-related conditions. In summary, the available evidence is currently insufficient to determine the role of this variant in disease. Therefore, it has been classified as a Variant of Uncertain Significance. Algorithms developed to predict the effect of missense changes on protein structure and function (SIFT, PolyPhen-2, Align-GVGD) all suggest that this variant is likely to be tolerated. ClinVar contains an entry for this variant (Variation ID: 1041343).

NM_001184.4(ATR):c.396T>A (p.Phe132Leu)

Gene: ATR (ATR checkpoint kinase; minus strand). Cytogenetic location: 3q23.
Variant type: single nucleotide variant.
Coding change: c.396T>A on transcript NM_001184.4 (MANE Select); coding-DNA position 396, T replaced by A.
Protein change: p.Phe132Leu; replaces phenylalanine 132 with leucine.
Molecular consequence: missense variant.
Genome position (GRCh38, 1-based): chr3:142,563,006, A>T on the plus strand (T>A on the coding strand, the complement: ATR is on the minus strand). VCF-style: chr3-142563006-A-T. GRCh37 (hg19) VCF-style: chr3-142281848-A-T.
Other names: c.396T>A, p.Phe132Leu (NM_001354579.2); short protein forms F132L.
Identifiers: ClinVar variation 1041343 (VCV001041343.8), dbSNP rs1553772379, ClinGen allele CA2650772.